The following is an entry in ClinVar:

ClinVar aggregate classification (germline): Conflicting classifications of pathogenicity. Review status: criteria provided, conflicting classifications (1 of 4 stars). 4 submissions from 4 submitters: Uncertain significance (2); Likely benign (1). 1 of the submissions does not count toward it. Last evaluated 2026-02-01.

Conditions:
Citrin deficiency. Identifiers: Orphanet 247582, MedGen C1997910, MONDO:0016602.
SLC25A13-related disorder. Also called: SLC25A13-related condition.
Citrullinemia type II. Also called: Citrullinemia Type II (CTLN2). Identifiers: Orphanet 247585, MedGen C1863844, MONDO:0016603.

Allele frequency attached by ClinVar (database versions not stated): gnomAD exomes 0.00005 and 0.00016; ExAC 0.00018; ESP Exome Variant Server 0.00038; 1000 Genomes Project 30x 0.00078; 1000 Genomes Project 0.00080; gnomAD 0.00085 and 0.00092; TOPMed 0.00107.
gnomAD v4.1: 215 of 1,613,968 alleles (0.013%); highest among the groups gnomAD compares: African/African-American, 0.23%; 1 homozygote.

Submissions (4):

Labcorp Genetics (formerly Invitae), Labcorp
Classification: Likely benign for Citrin deficiency. Last evaluated: 2026-02-01. Review status: criteria provided, single submitter. Criteria: Invitae Variant Classification Sherloc (09022015). Collection method: clinical testing. Allele origin: germline.

Eurofins Ntd Llc (ga)
Classification: Uncertain significance. Last evaluated: 2018-08-30. Review status: criteria provided, single submitter. Criteria: EGL ClinVar v180209 classification definitions. Collection method: clinical testing. Allele origin: germline. Observed: 6 variant alleles, 6 heterozygotes.

Illumina Laboratory Services, Illumina
Classification: Uncertain significance for Citrullinemia, type II, adult-onset. Last evaluated: 2018-01-13. Review status: criteria provided, single submitter. Criteria: ICSL Variant Classification Criteria 13 December 2019. Collection method: clinical testing. Allele origin: germline.

PreventionGenetics, part of Exact Sciences
Classification: Likely benign for SLC25A13-related condition. Last evaluated: 2020-02-13. Review status: no assertion criteria provided. Collection method: clinical testing. Allele origin: germline. Not counted in ClinVar's aggregate classification.
Comment: This variant is classified as likely benign based on ACMG/AMP sequence variant interpretation guidelines (Richards et al. 2015 PMID: 25741868, with internal and published modifications).

NM_014251.3(SLC25A13):c.1311+3A>G

Gene: SLC25A13 (solute carrier family 25 member 13; minus strand). Cytogenetic location: 7q21.3.
Variant type: single nucleotide variant.
Coding change: c.1311+3A>G on transcript NM_014251.3 (MANE Select); 3 bases into the intron after coding-DNA position 1311, A replaced by G.
Molecular consequence: intron variant.
Genome position (GRCh38, 1-based): chr7:96,170,042, T>C on the plus strand (A>G on the coding strand, the complement: SLC25A13 is on the minus strand). VCF-style: chr7-96170042-T-C. GRCh37 (hg19) VCF-style: chr7-95799354-T-C.
Other names: c.1314+3A>G (NM_001160210.2).
Identifiers: ClinVar variation 361017 (VCV000361017.23), dbSNP rs180844972, ClinGen allele CA4352968.